The following is an entry in ClinVar:

NM_005591.4(MRE11):c.1822T>G (p.Ser608Ala)

Gene: MRE11 (MRE11 double strand break repair nuclease; minus strand). Cytogenetic location: 11q21.
Variant type: single nucleotide variant.
Coding change: c.1822T>G on transcript NM_005591.4 (MANE Select); coding-DNA position 1822, T replaced by G.
Protein change: p.Ser608Ala; replaces serine 608 with alanine.
Molecular consequence: missense variant. On other transcripts: intron variant (1).
Genome position (GRCh38, 1-based): chr11:94,445,855, A>C on the plus strand (T>G on the coding strand, the complement: MRE11 is on the minus strand). VCF-style: chr11-94445855-A-C. GRCh37 (hg19) VCF-style: chr11-94179021-A-C.
Other names: c.1819T>G, p.Ser607Ala (NM_001330347.2); c.1783+1364T>G (NM_005590.4); short protein forms S608A, S607A.
Identifiers: ClinVar variation 407890 (VCV000407890.9), dbSNP rs770184763, ClinGen allele CA6234983.

ClinVar aggregate classification (germline): Uncertain significance. Review status: criteria provided, multiple submitters, no conflicts (2 of 4 stars). 2 submissions from 2 submitters: Uncertain significance (2). Last evaluated 2024-10-20.

Conditions:
Ataxia-telangiectasia-like disorder (ATLD). Identifiers: MedGen C1858391, MONDO:0011457.
Hereditary cancer-predisposing syndrome. Also called: Hereditary Cancer Syndrome; Hereditary neoplastic syndrome; Neoplastic Syndromes, Hereditary; Tumor predisposition. Identifiers: Orphanet 140162, MedGen C0027672, MeSH D009386, MONDO:0015356.

Allele frequency attached by ClinVar (database versions not stated): ExAC 0.00001; gnomAD 0.00001; gnomAD exomes 0.00001; TOPMed 0.00001.
gnomAD v4.1: 17 of 1,613,744 alleles (0.0011%); highest among the groups gnomAD compares: Admixed American, 0.005%; no homozygotes.

Submissions (2):

Labcorp Genetics (formerly Invitae), Labcorp
Classification: Uncertain significance for Ataxia-telangiectasia-like disorder. Last evaluated: 2024-10-20. Review status: criteria provided, single submitter. Criteria: Invitae Variant Classification Sherloc (09022015). Collection method: clinical testing. Allele origin: germline.
Comment: This sequence change replaces serine, which is neutral and polar, with alanine, which is neutral and non-polar, at codon 608 of the MRE11 protein (p.Ser608Ala). This variant is present in population databases (rs770184763, gnomAD 0.002%). This variant has not been reported in the literature in individuals affected with MRE11-related conditions. ClinVar contains an entry for this variant (Variation ID: 407890). An algorithm developed to predict the effect of missense changes on protein structure and function (PolyPhen-2) suggests that this variant¬†is likely to be tolerated. In summary, the available evidence is currently insufficient to determine the role of this variant in disease. Therefore, it has been classified as a Variant of Uncertain Significance.

Ambry Genetics
Classification: Uncertain significance for Hereditary cancer-predisposing syndrome. Last evaluated: 2023-02-19. Review status: criteria provided, single submitter. Criteria: Ambry Variant Classification Scheme 2023. Collection method: clinical testing. Allele origin: germline.
Comment: The p.S608A variant (also known as c.1822T>G), located in coding exon 15 of the MRE11A gene, results from a T to G substitution at nucleotide position 1822. The serine at codon 608 is replaced by alanine, an amino acid with similar properties. This amino acid position is conserved. In addition, this alteration is predicted to be tolerated by in silico analysis. Since supporting evidence is limited at this time, the clinical significance of this alteration remains unclear.